The following is an entry in ClinVar:

ClinVar aggregate classification (germline): Uncertain significance (1 of 4 stars; one submission).

Allele frequency attached by ClinVar (database versions not stated): gnomAD 0.00002 and 0.00003; gnomAD exomes 0.00002 and 0.00006; ExAC 0.00007.
gnomAD v4.1: 30 of 1,609,218 alleles (0.0019%); highest among the groups gnomAD compares: Non-Finnish European, 0.00051%; no homozygotes.

Submission:

Labcorp Genetics (formerly Invitae), Labcorp
Classification: Uncertain significance. Last evaluated: 2021-08-28. Review status: criteria provided, single submitter. Criteria: Invitae Variant Classification Sherloc (09022015). Collection method: clinical testing. Allele origin: germline.
Comment: Variants that disrupt the consensus splice site are a relatively common cause of aberrant splicing (PMID: 17576681, 9536098). Algorithms developed to predict the effect of sequence changes on RNA splicing suggest that this variant may disrupt the consensus splice site. This variant has not been reported in the literature in individuals affected with CDC14A-related conditions. This variant is present in population databases (rs774957073, ExAC 0.03%). This sequence change affects codon 152 of the CDC14A mRNA. It is a 'silent' change, meaning that it does not change the encoded amino acid sequence of the CDC14A protein. This variant also falls at the last nucleotide of exon 6, which is part of the consensus splice site for this exon. In summary, the available evidence is currently insufficient to determine the role of this variant in disease. Therefore, it has been classified as a Variant of Uncertain Significance.

Literature cited by the submitters: PubMed 17576681; PubMed 9536098.

NM_003672.4(CDC14A):c.456G>A (p.Lys152=)

Gene: CDC14A (cell division cycle 14A; plus strand). Cytogenetic location: 1p21.2.
Variant type: single nucleotide variant.
Coding change: c.456G>A on transcript NM_003672.4 (MANE Select); coding-DNA position 456, G replaced by A.
Protein change: p.Lys152=; no amino-acid change (lysine 152 retained).
Molecular consequence: synonymous variant. On other transcripts: 5 prime UTR variant (1).
Genome position (GRCh38, 1-based): chr1:100,439,998, G>A. VCF-style: chr1-100439998-G-A. GRCh37 (hg19) VCF-style: chr1-100905554-G-A.
Other names: c.456G>A, p.Lys152= (NM_001319210.2, NM_033312.3, NM_033313.3); c.282G>A, p.Lys94= (NM_001319211.2); c.-336G>A (NM_001319212.2).
Identifiers: ClinVar variation 1392967 (VCV001392967.6), dbSNP rs774957073, ClinGen allele CA970567.